The following is an entry in ClinVar:

ClinVar aggregate classification (germline): Uncertain significance (1 of 4 stars; one submission).

Submission:

Labcorp Genetics (formerly Invitae), Labcorp
Classification: Uncertain significance. Last evaluated: 2024-03-26. Review status: criteria provided, single submitter. Criteria: Invitae Variant Classification Sherloc (09022015). Collection method: clinical testing. Allele origin: germline.
Comment: This sequence change replaces leucine, which is neutral and non-polar, with arginine, which is basic and polar, at codon 461 of the MICAL1 protein (p.Leu461Arg). This variant is present in population databases (rs774901382, gnomAD 0.007%). This variant has not been reported in the literature in individuals affected with MICAL1-related conditions. An algorithm developed to predict the effect of missense changes on protein structure and function (PolyPhen-2) suggests that this variant is likely to be tolerated. In summary, the available evidence is currently insufficient to determine the role of this variant in disease. Therefore, it has been classified as a Variant of Uncertain Significance.

NM_022765.4(MICAL1):c.1325T>G (p.Leu442Arg)

Gene: MICAL1 (microtubule associated monooxygenase, calponin and LIM domain containing 1; minus strand). Cytogenetic location: 6q21.
Variant type: single nucleotide variant.
Coding change: c.1325T>G on transcript NM_022765.4 (MANE Select); coding-DNA position 1325, T replaced by G.
Protein change: p.Leu442Arg; replaces leucine 442 with arginine.
Molecular consequence: missense variant.
Genome position (GRCh38, 1-based): chr6:109,449,766, A>C on the plus strand (T>G on the coding strand, the complement: MICAL1 is on the minus strand). VCF-style: chr6-109449766-A-C. GRCh37 (hg19) VCF-style: chr6-109770969-A-C.
Other names: c.1067T>G, p.Leu356Arg (NM_001159291.2); c.1382T>G, p.Leu461Arg (NM_001286613.2); short protein forms L356R, L442R, L461R.
Identifiers: ClinVar variation 4701802 (VCV004701802.1).